The following is an entry in ClinVar:

ClinVar aggregate classification (germline): Benign. Review status: criteria provided, multiple submitters, no conflicts (2 of 4 stars). 2 submissions from 2 submitters: Benign (2). Last evaluated 2018-01-12.

Conditions:
Stuve-Wiedemann syndrome (STWS). Also called: Stüve-Wiedemann syndrome. Identifiers: Orphanet 3206, MedGen C0796176, MONDO:0031280.

Allele frequency attached by ClinVar (database versions not stated): gnomAD 0.30347 and 0.30878; TOPMed 0.30723; 1000 Genomes Project 30x 0.31980; 1000 Genomes Project 0.32228; gnomAD exomes 0.34055.
gnomAD v4.1: 69,185 of 217,440 alleles (32%); highest among the groups gnomAD compares: East Asian, 41%; 11,475 homozygotes.

Submissions (2):

Illumina Laboratory Services, Illumina
Classification: Benign for Stüve-Wiedemann syndrome 1. Last evaluated: 2018-01-12. Review status: criteria provided, single submitter. Criteria: ICSL Variant Classification Criteria 13 December 2019. Collection method: clinical testing. Allele origin: germline.
Comment: This variant was observed in the ICSL laboratory as part of a predisposition screen in an ostensibly healthy population. It had not been previously curated by ICSL or reported in the Human Gene Mutation Database (HGMD: prior to June 1st, 2018), and was therefore a candidate for classification through an automated scoring system. Utilizing variant allele frequency, disease prevalence and penetrance estimates, and inheritance mode, an automated score was calculated to assess if this variant is too frequent to cause the disease. Based on the score and internal cut-off values, a variant classified as benign is not then subjected to further curation. The score for this variant resulted in a classification of benign for this disease.

Breakthrough Genomics
Classification: Benign. Review status: criteria provided, single submitter. Criteria: ACMG Guidelines, 2015. Collection method: not provided. Allele origin: germline. Inheritance: Autosomal recessive inheritance. Affected: yes.

NM_001127671.2(LIFR):c.*3834C>G

Gene: LIFR (LIF receptor subunit alpha; minus strand). Cytogenetic location: 5p13.1.
Variant type: single nucleotide variant.
Coding change: c.*3834C>G on transcript NM_001127671.2 (MANE Select); 3834 bases downstream of the stop codon, C replaced by G.
Molecular consequence: 3 prime UTR variant.
Genome position (GRCh38, 1-based): chr5:38,477,761, G>C on the plus strand (C>G on the coding strand, the complement: LIFR is on the minus strand). VCF-style: chr5-38477761-G-C. GRCh37 (hg19) VCF-style: chr5-38477863-G-C.
Other names: c.*3834C>G (NM_001364297.2, NM_001364298.2, NM_002310.6).
Identifiers: ClinVar variation 353559 (VCV000353559.6), dbSNP rs34130318, ClinGen allele CA10621822.